The following is an entry in ClinVar:

NM_006445.4(PRPF8):c.6369+3_6369+6del

Gene: PRPF8 (pre-mRNA processing factor 8; minus strand). Cytogenetic location: 17p13.3.
Variant type: Deletion.
Coding change: c.6369+3_6369+6del on transcript NM_006445.4 (MANE Select); bases 3 to 6 of the intron after coding-DNA position 6369, 4 bases deleted (GAGT; older notation c.6369+3_6369+6delGAGT).
Molecular consequence: splice donor variant.
Genome position (GRCh38, 1-based): chr17:1,653,536-1,653,539, ACTC deleted on the plus strand (GAGT on the coding strand, the reverse complement: PRPF8 is on the minus strand); deleting any 4 consecutive bases within chr17:1,653,536-1,653,542 gives the same sequence; the c. name uses the placement nearest the transcript's 3' end. VCF-style (leftmost placement, unchanged base first): chr17-1653535-TACTC-T. GRCh37 (hg19) VCF-style: chr17-1556829-TACTC-T.
Identifiers: ClinVar variation 2917008 (VCV002917008.3), dbSNP rs2543716734, ClinGen allele CA2739267039.

ClinVar aggregate classification (germline): Uncertain significance (1 of 4 stars; one submission).

Submission:

Labcorp Genetics (formerly Invitae), Labcorp
Classification: Uncertain significance. Last evaluated: 2022-11-05. Review status: criteria provided, single submitter. Criteria: Invitae Variant Classification Sherloc (09022015). Collection method: clinical testing. Allele origin: germline.
Comment: Variants that disrupt the consensus splice site are a relatively common cause of aberrant splicing (PMID: 17576681, 9536098). Algorithms developed to predict the effect of sequence changes on RNA splicing suggest that this variant may disrupt the consensus splice site. In summary, the available evidence is currently insufficient to determine the role of this variant in disease. Therefore, it has been classified as a Variant of Uncertain Significance. This variant has not been reported in the literature in individuals affected with PRPF8-related conditions. This variant is not present in population databases (gnomAD no frequency). This sequence change falls in intron 39 of the PRPF8 gene. It does not directly change the encoded amino acid sequence of the PRPF8 protein. It affects a nucleotide within the consensus splice site.

Literature cited by the submitters: PubMed 17576681; PubMed 9536098.